The following is an entry in ClinVar:

NM_000051.4(ATM):c.2909T>C (p.Leu970Pro)

Gene: ATM (ATM serine/threonine kinase; plus strand). Cytogenetic location: 11q22.3.
Variant type: single nucleotide variant.
Coding change: c.2909T>C on transcript NM_000051.4 (MANE Select); coding-DNA position 2909, T replaced by C.
Protein change: p.Leu970Pro; replaces leucine 970 with proline.
Molecular consequence: missense variant.
Genome position (GRCh38, 1-based): chr11:108,271,134, T>C. VCF-style: chr11-108271134-T-C. GRCh37 (hg19) VCF-style: chr11-108141861-T-C.
Other names: c.2909T>C, p.Leu970Pro (NM_001351834.2); short protein forms L970P.
Identifiers: ClinVar variation 453438 (VCV000453438.8), dbSNP rs587782521, ClinGen allele CA382546973.
Genomic context (GRCh38, chr11:108,271,134, plus strand): 5'-TTTTAAAGGAGCTTCCTGGAGAAGAGTACCCCTTGCCAATGGAAGATGTTCTTGAACTTC[T>C]GAAACCACTATCGTAAGAAATTAAAACCTTATGTTATGTTCACTTTAAAGTTATAAAATA-3'
Protein context (NP_000042.3, residues 960-980): PLPMEDVLEL[Leu970Pro]KPLSNVCSLY

ClinVar aggregate classification (germline): Uncertain significance (1 of 4 stars; one submission).

Conditions:
Ataxia-telangiectasia syndrome (AT). Also called: Cerebello-oculocutaneous telangiectasia; Immunodeficiency with ataxia telangiectasia; Ataxia-telangiectasia, complementation group D; AT, COMPLEMENTATION GROUP C; Ataxia-telangiectasia, complementation group E; LOUIS-BAR SYNDROME. Identifiers: Orphanet 100, MedGen C0004135, MONDO:0008840, OMIM 208900.

Submission:

Labcorp Genetics (formerly Invitae), Labcorp
Classification: Uncertain significance for Ataxia-telangiectasia syndrome. Last evaluated: 2017-03-08. Review status: criteria provided, single submitter. Criteria: Invitae Variant Classification Sherloc (09022015). Collection method: clinical testing. Allele origin: germline.
Comment: This sequence change replaces leucine with proline at codon 970 of the ATM protein (p.Leu970Pro). The leucine residue is highly conserved and there is a moderate physicochemical difference between leucine and proline. In summary, this variant is a novel missense change with uncertain impact on protein function. It has been classified as a Variant of Uncertain Significance. Algorithms developed to predict the effect of missense changes on protein structure and function (SIFT, PolyPhen-2, Align-GVGD) all suggest that this variant is likely to be disruptive, but these predictions have not been confirmed by published functional studies. This variant is not present in population databases (ExAC no frequency) and has not been reported in the literature in individuals with an ATM-related disease.